The following is an entry in ClinVar:

ClinVar aggregate classification (germline): Uncertain significance. Review status: criteria provided, multiple submitters, no conflicts (2 of 4 stars). 2 submissions from 2 submitters: Uncertain significance (2). Last evaluated 2025-12-20.

Conditions:
Autosomal recessive limb-girdle muscular dystrophy type 2L (LGMDR12). Also called: Limb-girdle muscular dystrophy, type 2L; MUSCULAR DYSTROPHY, LIMB-GIRDLE, AUTOSOMAL RECESSIVE 12; Limb-Girdle Muscular Dystrophy R12 Anoctamin-5-Related (LGMD-R12). Identifiers: Orphanet 206549, MedGen C1969785, MONDO:0012652, OMIM 611307.
Gnathodiaphyseal dysplasia (GDD). Also called: GNATHODIAPHYSEAL SCLEROSIS; OSTEOGENESIS IMPERFECTA WITH UNUSUAL SKELETAL LESIONS. Identifiers: Orphanet 53697, MedGen C1833736, MONDO:0008151, OMIM 166260.
Inborn genetic diseases. Identifiers: MedGen C0950123, MeSH D030342.

Allele frequency attached by ClinVar (database versions not stated): gnomAD exomes 0.00001; TOPMed 0.00005; gnomAD 0.00006.
gnomAD v4.1: 17 of 1,611,682 alleles (0.0011%); highest among the groups gnomAD compares: East Asian, 0.0022%; no homozygotes.

Submissions (2):

Labcorp Genetics (formerly Invitae), Labcorp
Classification: Uncertain significance for Autosomal recessive limb-girdle muscular dystrophy type 2L; Gnathodiaphyseal dysplasia. Last evaluated: 2025-12-20. Review status: criteria provided, single submitter. Criteria: Invitae Variant Classification Sherloc (09022015). Collection method: clinical testing. Allele origin: germline.
Comment: This sequence change replaces glutamine, which is neutral and polar, with arginine, which is basic and polar, at codon 405 of the ANO5 protein (p.Gln405Arg). This variant is present in population databases (no rsID available, gnomAD 0.002%). This variant has not been reported in the literature in individuals affected with ANO5-related conditions. ClinVar contains an entry for this variant (Variation ID: 1384964). Invitae Evidence Modeling of protein sequence and biophysical properties (such as structural, functional, and spatial information, amino acid conservation, physicochemical variation, residue mobility, and thermodynamic stability) has been performed for this missense variant. However, the output from this modeling did not meet the statistical confidence thresholds required to predict the impact of this variant on ANO5 protein function. In summary, the available evidence is currently insufficient to determine the role of this variant in disease. Therefore, it has been classified as a Variant of Uncertain Significance.

Ambry Genetics
Classification: Uncertain significance for Inborn genetic diseases. Last evaluated: 2025-09-24. Review status: criteria provided, single submitter. Criteria: Ambry Variant Classification Scheme 2023. Collection method: clinical testing. Allele origin: germline.

NM_213599.3(ANO5):c.1214A>G (p.Gln405Arg)

Gene: ANO5 (anoctamin 5; plus strand). Cytogenetic location: 11p14.3.
Variant type: single nucleotide variant.
Coding change: c.1214A>G on transcript NM_213599.3 (MANE Select); coding-DNA position 1214, A replaced by G.
Protein change: p.Gln405Arg; replaces glutamine 405 with arginine.
Molecular consequence: missense variant.
Genome position (GRCh38, 1-based): chr11:22,255,404, A>G. VCF-style: chr11-22255404-A-G. GRCh37 (hg19) VCF-style: chr11-22276950-A-G.
Other names: c.1211A>G, p.Gln404Arg (NM_001142649.2); c.1214A>G (NM_213599.2); short protein forms Q404R, Q405R.
Identifiers: ClinVar variation 1384964 (VCV001384964.7), dbSNP rs918732999, ClinGen allele CA218757774.